The following is an entry in ClinVar:

NM_152564.5(VPS13B):c.1139C>A (p.Ala380Glu)

Gene: VPS13B (vacuolar protein sorting 13 homolog B; plus strand). Cytogenetic location: 8q22.2.
Variant type: single nucleotide variant.
Coding change: c.1139C>A on transcript NM_152564.5 (MANE Select); coding-DNA position 1139, C replaced by A.
Protein change: p.Ala380Glu; replaces alanine 380 with glutamic acid.
Molecular consequence: missense variant. On other transcripts: non-coding transcript variant (1).
Genome position (GRCh38, 1-based): chr8:99,121,378, C>A. VCF-style: chr8-99121378-C-A. GRCh37 (hg19) VCF-style: chr8-100133606-C-A.
Other names: c.1139C>A, p.Ala380Glu (NM_015243.3, NM_017890.5, NM_181661.3); short protein forms A380E.
Identifiers: ClinVar variation 3346169 (VCV003346169.1).

ClinVar aggregate classification (germline): Uncertain significance (0 of 4 stars; one submission).

Conditions:
VPS13B-related disorder. Also called: VPS13B-related condition.

gnomAD v4.1: 1 of 1,614,082 alleles (0.000062%); highest among the groups gnomAD compares: African/African-American, 0.0013%; no homozygotes.

Submission:

PreventionGenetics, part of Exact Sciences
Classification: Uncertain significance for VPS13B-related condition. Last evaluated: 2024-07-25. Review status: no assertion criteria provided. Collection method: clinical testing. Allele origin: germline.
Comment: The VPS13B c.1139C>A variant is predicted to result in the amino acid substitution p.Ala380Glu. To our knowledge, this variant has not been reported in the literature or in a large population database. indicating this variant is rare. At this time, the clinical significance of this variant is uncertain due to the absence of conclusive functional and genetic evidence.